The following is an entry in ClinVar:

ClinVar aggregate classification (germline): Benign/Likely benign. Review status: criteria provided, multiple submitters, no conflicts (2 of 4 stars). 3 submissions from 3 submitters: Benign (1); Likely benign (2). Last evaluated 2026-01-16.

Conditions:
Familial melanoma. Also called: Hereditary melanoma; Hereditary cutaneous melanoma. Identifiers: Orphanet 618, MedGen C1512419, MONDO:0018961.
Hereditary cancer-predisposing syndrome. Also called: Hereditary neoplastic syndrome; Neoplastic Syndromes, Hereditary; Tumor predisposition; Hereditary Cancer Syndrome. Identifiers: Orphanet 140162, MedGen C0027672, MeSH D009386, MONDO:0015356.
Melanoma, cutaneous malignant, susceptibility to, 3. Also called: Cutaneous malignant melanoma 3. Identifiers: Orphanet 618, MedGen C1836892, MONDO:0012183, OMIM 609048.

Allele frequency attached by ClinVar (database versions not stated): gnomAD 0.00001; TOPMed 0.00001; gnomAD exomes 0.00003 and 0.00007; ExAC 0.00010.

Submissions (3):

Labcorp Genetics (formerly Invitae), Labcorp
Classification: Likely benign for Familial melanoma. Last evaluated: 2026-01-16. Review status: criteria provided, single submitter. Criteria: Invitae Variant Classification Sherloc (09022015). Collection method: clinical testing. Allele origin: germline.

Myriad Genetics, Inc.
Classification: Benign for Melanoma, cutaneous malignant, susceptibility to, 3. Last evaluated: 2024-09-25. Review status: criteria provided, single submitter. Criteria: Myriad Autosomal Dominant, Autosomal Recessive and X-Linked Classification Criteria (2023). Collection method: clinical testing. Allele origin: unknown.
Comment: This variant is considered benign. This variant is a silent/synonymous amino acid change and it is not expected to impact splicing.

Ambry Genetics
Classification: Likely benign for Hereditary cancer-predisposing syndrome. Last evaluated: 2015-06-07. Review status: criteria provided, single submitter. Criteria: Ambry Variant Classification Scheme 2023. Collection method: clinical testing. Allele origin: germline.

NM_000075.4(CDK4):c.252C>T (p.Asp84=)

Gene: CDK4 (cyclin dependent kinase 4; minus strand). Cytogenetic location: 12q14.1.
Variant type: single nucleotide variant.
Coding change: c.252C>T on transcript NM_000075.4 (MANE Select); coding-DNA position 252, C replaced by T.
Protein change: p.Asp84=; no amino-acid change (aspartic acid 84 retained).
Molecular consequence: synonymous variant.
Genome position (GRCh38, 1-based): chr12:57,751,309, G>A on the plus strand (C>T on the coding strand, the complement: CDK4 is on the minus strand). VCF-style: chr12-57751309-G-A. GRCh37 (hg19) VCF-style: chr12-58145092-G-A.
Identifiers: ClinVar variation 215630 (VCV000215630.17), dbSNP rs780590939, ClinGen allele CA338686.